The following is an entry in ClinVar:

ClinVar aggregate classification (germline): Likely benign (1 of 4 stars; one submission).

Conditions:
Papillary renal cell carcinoma type 1 (RCCP1). Also called: RENAL CELL CARCINOMA, PAPILLARY, 1, SOMATIC; Renal adenocarcinoma; Renal cell carcinoma 1; Renal cell carcinoma, somatic. Identifiers: Orphanet 47044, MedGen C1336839, OMIM 605074, HP:0011797.

Submission:

Myriad Genetics, Inc.
Classification: Likely benign for Papillary renal cell carcinoma type 1. Last evaluated: 2024-11-12. Review status: criteria provided, single submitter. Criteria: Myriad Autosomal Dominant, Autosomal Recessive and X-Linked Classification Criteria (2023). Collection method: clinical testing. Allele origin: unknown.
Comment: This variant is considered likely benign. This variant is intronic and is not expected to impact mRNA splicing.

NM_000245.4(MET):c.3028+10A>T

Gene: MET (MET proto-oncogene, receptor tyrosine kinase; plus strand). Cytogenetic location: 7q31.2.
Variant type: single nucleotide variant.
Coding change: c.3028+10A>T on transcript NM_000245.4 (MANE Select); 10 bases into the intron after coding-DNA position 3028, A replaced by T.
Molecular consequence: intron variant.
Genome position (GRCh38, 1-based): chr7:116,771,999, A>T. VCF-style: chr7-116771999-A-T. GRCh37 (hg19) VCF-style: chr7-116412053-A-T.
Other names: c.3082+10A>T (NM_001127500.3); c.1738+10A>T (NM_001324402.2).
Identifiers: ClinVar variation 3773418 (VCV003773418.1).
Genomic context (GRCh38, chr7:116,771,999, plus strand): 5'-CAGAAATGGTTTCAAATGAATCTGTAGACTACCGAGCTACTTTTCCAGAAGGTATATTTC[A>T]GTTTATTGTTCTGAGAAATACCTATACATATACCTCAGTGGGTTGTGACATTGTTGTTTA-3'